The following is an entry in ClinVar:

NM_004999.4(MYO6):c.*1232C>T

Gene: MYO6 (myosin VI; plus strand). Cytogenetic location: 6q14.1.
Variant type: single nucleotide variant.
Coding change: c.*1232C>T on transcript NM_004999.4 (MANE Select); 1232 bases downstream of the stop codon, C replaced by T.
Molecular consequence: 3 prime UTR variant. On other transcripts: non-coding transcript variant (1).
Genome position (GRCh38, 1-based): chr6:75,916,244, C>T. VCF-style: chr6-75916244-C-T. GRCh37 (hg19) VCF-style: chr6-76625961-C-T.
Other names: c.*1232C>T (NM_001300899.2, NM_001368136.1, NM_001368137.1 and 3 more transcripts).
Identifiers: ClinVar variation 358012 (VCV000358012.5), dbSNP rs182487428, ClinGen allele CA10624652.

ClinVar aggregate classification (germline): Conflicting classifications of pathogenicity. Review status: criteria provided, conflicting classifications (1 of 4 stars). 2 submissions from 1 submitter: Uncertain significance (1); Likely benign (1). Last evaluated 2018-01-13.

Conditions:
Autosomal recessive nonsyndromic hearing loss 37. Identifiers: Orphanet 90636, MedGen C1843028, MONDO:0011912, OMIM 607821.
Autosomal dominant nonsyndromic hearing loss 22. Also called: Autosomal dominant nonsyndromic deafness 22; DFNA 22. Identifiers: Orphanet 228012, MedGen C2931767, MONDO:0011660, OMIM 606346.

Allele frequency attached by ClinVar (database versions not stated): gnomAD 0.00051 and 0.00062; TOPMed 0.00058; 1000 Genomes Project 0.00080; 1000 Genomes Project 30x 0.00109.

Submissions (2):

Illumina Laboratory Services, Illumina
Classification: Uncertain significance for Autosomal recessive nonsyndromic hearing loss 37. Last evaluated: 2018-01-13. Review status: criteria provided, single submitter. Criteria: ICSL Variant Classification Criteria 13 December 2019. Collection method: clinical testing. Allele origin: germline.

Illumina Laboratory Services, Illumina
Classification: Likely benign for Autosomal dominant nonsyndromic hearing loss 22. Last evaluated: 2018-01-13. Review status: criteria provided, single submitter. Criteria: ICSL Variant Classification Criteria 13 December 2019. Collection method: clinical testing. Allele origin: germline.
Comment: This variant was observed in the ICSL laboratory as part of a predisposition screen in an ostensibly healthy population. It had not been previously curated by ICSL or reported in the Human Gene Mutation Database (HGMD: prior to June 1st, 2018), and was therefore a candidate for classification through an automated scoring system. Utilizing variant allele frequency, disease prevalence and penetrance estimates, and inheritance mode, an automated score was calculated to assess if this variant is too frequent to cause the disease. Based on the score and internal cut-off values, a variant classified as likely benign is not then subjected to further curation. The score for this variant resulted in a classification of likely benign for this disease.